The following is an entry in ClinVar:

ClinVar aggregate classification (germline): Uncertain significance (1 of 4 stars; one submission).

Conditions:
Dystonic disorder. Also called: Dystonia. Identifiers: MedGen C0013421, MONDO:0003441, HP:0001332.

Allele frequency attached by ClinVar (database versions not stated): gnomAD exomes below 0.00001.
gnomAD v4.1: 2 of 1,512,598 alleles (0.00013%); highest among the groups gnomAD compares: South Asian, 0.0012%; no homozygotes.

Submission:

Labcorp Genetics (formerly Invitae), Labcorp
Classification: Uncertain significance for Dystonic disorder. Last evaluated: 2018-11-29. Review status: criteria provided, single submitter. Criteria: Invitae Variant Classification Sherloc (09022015). Collection method: clinical testing. Allele origin: germline.
Comment: In summary, the available evidence is currently insufficient to determine the role of this variant in disease. Therefore, it has been classified as a Variant of Uncertain Significance. Algorithms developed to predict the effect of missense changes on protein structure and function output the following: SIFT: "Tolerated"; PolyPhen-2: "Benign"; Align-GVGD: "Class C0". The valine amino acid residue is found in multiple mammalian species, suggesting that this missense change does not adversely affect protein function. These predictions have not been confirmed by published functional studies and their clinical significance is uncertain. This variant has not been reported in the literature in individuals with SPR-related conditions. The frequency data for this variant in the population databases is considered unreliable, as metrics indicate insufficient coverage at this position in the ExAC database. This sequence change replaces leucine with valine at codon 95 of the SPR protein (p.Leu95Val). The leucine residue is moderately conserved and there is a small physicochemical difference between leucine and valine.

NM_003124.5(SPR):c.283C>G (p.Leu95Val)

Gene: SPR (sepiapterin reductase; plus strand). Cytogenetic location: 2p13.2.
Variant type: single nucleotide variant.
Coding change: c.283C>G on transcript NM_003124.5 (MANE Select); coding-DNA position 283, C replaced by G.
Protein change: p.Leu95Val; replaces leucine 95 with valine.
Molecular consequence: missense variant.
Genome position (GRCh38, 1-based): chr2:72,887,715, C>G. VCF-style: chr2-72887715-C-G. GRCh37 (hg19) VCF-style: chr2-73114844-C-G.
Other names: short protein forms L95V.
Identifiers: ClinVar variation 643639 (VCV000643639.8), dbSNP rs1573881927, ClinGen allele CA347231278.